The following is an entry in ClinVar:

NM_001367624.2(ZNF469):c.3177C>G (p.Asn1059Lys)

Genes: ZNF469 (zinc finger protein 469; plus strand), LOC130059718 (ATAC-STARR-seq lymphoblastoid silent region 7847; plus strand). Cytogenetic location: 16q24.2.
Variant type: single nucleotide variant.
Coding change: c.3177C>G on transcript NM_001367624.2 (MANE Select); coding-DNA position 3177, C replaced by G.
Protein change: p.Asn1059Lys; replaces asparagine 1059 with lysine.
Molecular consequence: missense variant.
Genome position (GRCh38, 1-based): chr16:88,430,647, C>G. VCF-style: chr16-88430647-C-G. GRCh37 (hg19) VCF-style: chr16-88497055-C-G.
Other names: NM_001127464.1:c.3177C>G; short protein forms N1059K.
Identifiers: ClinVar variation 2449500 (VCV002449500.2), dbSNP rs2507582237, ClinGen allele CA397078421.

ClinVar aggregate classification (germline): Uncertain significance (1 of 4 stars; one submission).

Conditions:
Cardiovascular phenotype. Identifiers: MedGen CN230736.

Submission:

Ambry Genetics
Classification: Uncertain significance for Cardiovascular phenotype. Last evaluated: 2023-02-05. Review status: criteria provided, single submitter. Criteria: Ambry Variant Classification Scheme 2023. Collection method: clinical testing. Allele origin: germline.
Comment: The p.N1059K variant (also known as c.3177C>G), located in coding exon 1 of the ZNF469 gene, results from a C to G substitution at nucleotide position 3177. The asparagine at codon 1059 is replaced by lysine, an amino acid with similar properties. This amino acid position is conserved. In addition, this alteration is predicted to be tolerated by in silico analysis. Since supporting evidence is limited at this time, the clinical significance of this alteration remains unclear.